The following is an entry in ClinVar:

ClinVar aggregate classification (germline): Uncertain significance (1 of 4 stars; one submission).

Conditions:
KIF3B-related disorder. Also called: KIF3B-related condition.

Allele frequency attached by ClinVar (database versions not stated): gnomAD exomes below 0.00001; ExAC 0.00001; gnomAD 0.00001; TOPMed 0.00002.
gnomAD v4.1: 4 of 1,614,092 alleles (0.00025%); highest among the groups gnomAD compares: African/African-American, 0.0027%; no homozygotes.

Submission:

PreventionGenetics, part of Exact Sciences
Classification: Uncertain significance for KIF3B-related condition. Last evaluated: 2023-03-29. Review status: criteria provided, single submitter. Criteria: ACMG Guidelines, 2015. Collection method: clinical testing. Allele origin: germline.
Comment: The KIF3B c.622A>G variant is predicted to result in the amino acid substitution p.Met208Val. To our knowledge, this variant has not been reported in the literature. This variant is reported in 0.0062% of alleles in individuals of African descent in gnomAD. At this time, the clinical significance of this variant is uncertain due to the absence of conclusive functional and genetic evidence.

NM_004798.4(KIF3B):c.622A>G (p.Met208Val)

Gene: KIF3B (kinesin family member 3B; plus strand). Cytogenetic location: 20q11.21.
Variant type: single nucleotide variant.
Coding change: c.622A>G on transcript NM_004798.4 (MANE Select); coding-DNA position 622, A replaced by G.
Protein change: p.Met208Val; replaces methionine 208 with valine.
Molecular consequence: missense variant.
Genome position (GRCh38, 1-based): chr20:32,310,399, A>G. VCF-style: chr20-32310399-A-G. GRCh37 (hg19) VCF-style: chr20-30898202-A-G.
Other names: short protein forms M208V.
Identifiers: ClinVar variation 2630638 (VCV002630638.1), dbSNP rs759626291, ClinGen allele CA9807603.
Genomic context (GRCh38, chr20:32,310,399, plus strand): 5'-AAGGAGATAGAGCATGTGATGAATGTGGGGAACCAGAACCGTTCTGTCGGTGCTACCAAC[A>G]TGAACGAGCACAGCTCGCGTTCTCATGCAATTTTCGTTATCACTATTGAGTGCAGCGAGG-3'
Protein context (NP_004789.1, residues 198-218): NQNRSVGATN[Met208Val]NEHSSRSHAI